The following is an entry in ClinVar:

ClinVar aggregate classification (germline): Uncertain significance (1 of 4 stars; one submission).

Submission:

GeneDx
Classification: Uncertain significance. Last evaluated: 2025-03-18. Review status: criteria provided, single submitter. Criteria: GeneDx Variant Classification Process June 2021. Collection method: clinical testing. Allele origin: germline. Affected: yes.
Comment: Not observed at significant frequency in large population cohorts (gnomAD); In silico analysis indicates that this missense variant does not alter protein structure/function; Has not been previously published as pathogenic or benign to our knowledge

NM_001205293.3(CACNA1E):c.1552C>A (p.Leu518Ile)

Gene: CACNA1E (calcium voltage-gated channel subunit alpha1 E; plus strand). Cytogenetic location: 1q25.3.
Variant type: single nucleotide variant.
Coding change: c.1552C>A on transcript NM_001205293.3 (MANE Select); coding-DNA position 1552, C replaced by A.
Protein change: p.Leu518Ile; replaces leucine 518 with isoleucine.
Molecular consequence: missense variant.
Genome position (GRCh38, 1-based): chr1:181,718,081, C>A. VCF-style: chr1-181718081-C-A. GRCh37 (hg19) VCF-style: chr1-181687217-C-A.
Other names: c.1552C>A, p.Leu518Ile (NM_000721.4, NM_001205294.2); short protein forms L518I.
Identifiers: ClinVar variation 4086672 (VCV004086672.1).